The following is an entry in ClinVar:

NM_000264.5(PTCH1):c.1568G>C (p.Ser523Thr)

Gene: PTCH1 (patched 1; minus strand). Cytogenetic location: 9q22.32.
Variant type: single nucleotide variant.
Coding change: c.1568G>C on transcript NM_000264.5 (MANE Select); coding-DNA position 1568, G replaced by C.
Protein change: p.Ser523Thr; replaces serine 523 with threonine.
Molecular consequence: missense variant. On other transcripts: non-coding transcript variant (1).
Genome position (GRCh38, 1-based): chr9:95,476,793, C>G on the plus strand (G>C on the coding strand, the complement: PTCH1 is on the minus strand). VCF-style: chr9-95476793-C-G. GRCh37 (hg19) VCF-style: chr9-98239075-C-G.
Other names: c.1370G>C, p.Ser457Thr (NM_001083602.3); c.1565G>C, p.Ser522Thr (NM_001083603.3); c.1115G>C, p.Ser372Thr (NM_001083604.3, NM_001083605.3, NM_001083606.3 and 1 more transcripts); c.1412G>C, p.Ser471Thr (NM_001354918.2); short protein forms S457T, S372T, S471T, S522T, S523T.
Identifiers: ClinVar variation 648256 (VCV000648256.13), dbSNP rs751778283, ClinGen allele CA5138620.

ClinVar aggregate classification (germline): Conflicting classifications of pathogenicity. Review status: criteria provided, conflicting classifications (1 of 4 stars). 2 submissions from 2 submitters: Uncertain significance (1); Likely benign (1). Last evaluated 2026-01-19.

Conditions:
Gorlin syndrome. Also called: Basal cell nevus syndrome; Nevoid Basal Cell Carcinoma Syndrome. Identifiers: Orphanet 377, MedGen C0004779, MONDO:0007187.
Hereditary cancer-predisposing syndrome. Also called: Hereditary Cancer Syndrome; Tumor predisposition; Neoplastic Syndromes, Hereditary; Hereditary neoplastic syndrome. Identifiers: Orphanet 140162, MedGen C0027672, MeSH D009386, MONDO:0015356.

Allele frequency attached by ClinVar (database versions not stated): gnomAD exomes below 0.00001 and 0.00001; ExAC 0.00001.

Submissions (2):

Labcorp Genetics (formerly Invitae), Labcorp
Classification: Likely benign for Gorlin syndrome. Last evaluated: 2026-01-19. Review status: criteria provided, single submitter. Criteria: Invitae Variant Classification Sherloc (09022015). Collection method: clinical testing. Allele origin: germline.

Ambry Genetics
Classification: Uncertain significance for Hereditary cancer-predisposing syndrome. Last evaluated: 2024-01-16. Review status: criteria provided, single submitter. Criteria: Ambry Variant Classification Scheme 2023. Collection method: clinical testing. Allele origin: germline.
Comment: The p.S523T variant (also known as c.1568G>C), located in coding exon 11 of the PTCH1 gene, results from a G to C substitution at nucleotide position 1568. The serine at codon 523 is replaced by threonine, an amino acid with similar properties. This amino acid position is highly conserved in available vertebrate species. In addition, the in silico prediction for this alteration is inconclusive. Since supporting evidence is limited at this time, the clinical significance of this alteration remains unclear.